The following is an entry in ClinVar:

NM_002291.3(LAMB1):c.2372AGTGCC[3] (p.Cys794_Arg795insGlnCys)

Gene: LAMB1 (laminin subunit beta 1; minus strand). Cytogenetic location: 7q31.1.
Variant type: Microsatellite.
Coding change: c.2372AGTGCC[3] on transcript NM_002291.3 (MANE Select); three copies in a row of the 6-base unit AGTGCC starting at c.2372; the reference has two copies in a row; one copy, 6 bases duplicated.
Protein change: p.Cys794_Arg795insGlnCys.
Molecular consequence: inframe insertion.
Genome position (GRCh38, 1-based): chr7:107,959,766-107,959,771, GGCACT duplicated on the plus strand (AGTGCC on the coding strand, the reverse complement: LAMB1 is on the minus strand); duplicating any 6 consecutive bases within chr7:107,959,766-107,959,780 gives the same sequence; the position shown is the placement nearest the transcript's 3' end. VCF-style (leftmost placement, unchanged base first): chr7-107959765-C-CGGCACT. GRCh37 (hg19) VCF-style: chr7-107600210-C-CGGCACT.
Identifiers: ClinVar variation 2066942 (VCV002066942.4), dbSNP rs1465500521, ClinGen allele CA577199320.

ClinVar aggregate classification (germline): Uncertain significance (1 of 4 stars; one submission).

Submission:

Labcorp Genetics (formerly Invitae), Labcorp
Classification: Uncertain significance. Last evaluated: 2022-08-19. Review status: criteria provided, single submitter. Criteria: Invitae Variant Classification Sherloc (09022015). Collection method: clinical testing. Allele origin: germline.
Comment: In summary, the available evidence is currently insufficient to determine the role of this variant in disease. Therefore, it has been classified as a Variant of Uncertain Significance. This variant has not been reported in the literature in individuals affected with LAMB1-related conditions. This variant is present in population databases (no rsID available, gnomAD 0.0009%). This variant, c.2378_2383dup, results in the insertion of 2 amino acid(s) of the LAMB1 protein (p.Gln793_Cys794dup), but otherwise preserves the integrity of the reading frame.